The following is an entry in ClinVar:

ClinVar aggregate classification (germline): Uncertain significance. Review status: criteria provided, multiple submitters, no conflicts (2 of 4 stars). 3 submissions from 3 submitters: Uncertain significance (3). Last evaluated 2025-12-15.

Conditions:
Hereditary cancer-predisposing syndrome. Also called: Tumor predisposition; Hereditary neoplastic syndrome; Neoplastic Syndromes, Hereditary; Hereditary Cancer Syndrome. Identifiers: Orphanet 140162, MedGen C0027672, MeSH D009386, MONDO:0015356.
POLE-related disorder. Also called: POLE-related condition; POLE-related disorders.

Allele frequency attached by ClinVar (database versions not stated): gnomAD exomes below 0.00001.

Submissions (3):

Labcorp Genetics (formerly Invitae), Labcorp
Classification: Uncertain significance. Last evaluated: 2025-12-15. Review status: criteria provided, single submitter. Criteria: Invitae Variant Classification Sherloc (09022015). Collection method: clinical testing. Allele origin: germline.
Comment: This sequence change replaces methionine, which is neutral and non-polar, with lysine, which is basic and polar, at codon 1845 of the POLE protein (p.Met1845Lys). This variant is not present in population databases (gnomAD no frequency). This variant has not been reported in the literature in individuals affected with POLE-related conditions. ClinVar contains an entry for this variant (Variation ID: 1360625). Invitae Evidence Modeling of protein sequence and biophysical properties (such as structural, functional, and spatial information, amino acid conservation, physicochemical variation, residue mobility, and thermodynamic stability) indicates that this missense variant is expected to disrupt POLE protein function with a positive predictive value of 80%. In summary, the available evidence is currently insufficient to determine the role of this variant in disease. Therefore, it has been classified as a Variant of Uncertain Significance.

Ambry Genetics
Classification: Uncertain significance for Hereditary cancer-predisposing syndrome. Last evaluated: 2025-09-02. Review status: criteria provided, single submitter. Criteria: Ambry Variant Classification Scheme 2023. Collection method: clinical testing. Allele origin: germline.
Comment: The p.M1845K variant (also known as c.5534T>A), located in coding exon 40 of the POLE gene, results from a T to A substitution at nucleotide position 5534. The methionine at codon 1845 is replaced by lysine, an amino acid with similar properties. This amino acid position is conserved. In addition, this alteration is predicted to be deleterious by in silico analysis. Based on the available evidence, the clinical significance of this variant remains unclear.

PreventionGenetics, part of Exact Sciences
Classification: Uncertain significance for POLE-related condition. Last evaluated: 2023-05-11. Review status: criteria provided, single submitter. Criteria: ACMG Guidelines, 2015. Collection method: clinical testing. Allele origin: germline.
Comment: The POLE c.5534T>A variant is predicted to result in the amino acid substitution p.Met1845Lys. To our knowledge, this variant has not been reported in the literature or in a large population database, indicating this variant is rare. At this time, the clinical significance of this variant is uncertain due to the absence of conclusive functional and genetic evidence.

NM_006231.4(POLE):c.5534T>A (p.Met1845Lys)

Gene: POLE (DNA polymerase epsilon, catalytic subunit; minus strand). Cytogenetic location: 12q24.33.
Variant type: single nucleotide variant.
Coding change: c.5534T>A on transcript NM_006231.4 (MANE Select); coding-DNA position 5534, T replaced by A.
Protein change: p.Met1845Lys; replaces methionine 1845 with lysine.
Molecular consequence: missense variant.
Genome position (GRCh38, 1-based): chr12:132,639,143, A>T on the plus strand (T>A on the coding strand, the complement: POLE is on the minus strand). VCF-style: chr12-132639143-A-T. GRCh37 (hg19) VCF-style: chr12-133215729-A-T.
Other names: c.5534T>A (NM_006231.3); short protein forms M1845K.
Identifiers: ClinVar variation 1360625 (VCV001360625.13), dbSNP rs2042090697, ClinGen allele CA387374567.